The following is an entry in ClinVar:

ClinVar aggregate classification (germline): Conflicting classifications of pathogenicity. Review status: criteria provided, conflicting classifications (1 of 4 stars). 5 submissions from 5 submitters: Uncertain significance (1); Benign (1); Likely benign (2). 1 of the submissions does not count toward it. Last evaluated 2025-06-02.

Conditions:
Hereditary cancer-predisposing syndrome. Also called: Hereditary neoplastic syndrome; Neoplastic Syndromes, Hereditary; Hereditary Cancer Syndrome; Tumor predisposition. Identifiers: Orphanet 140162, MedGen C0027672, MeSH D009386, MONDO:0015356.
Tuberous sclerosis 2 (TSC2). Identifiers: Orphanet 805, MedGen C1860707, MONDO:0013199, OMIM 613254.

Allele frequency attached by ClinVar (database versions not stated): TOPMed below 0.00001.

Submissions (5):

Myriad Genetics, Inc.
Classification: Likely benign for Tuberous sclerosis 2. Last evaluated: 2025-06-02. Review status: criteria provided, single submitter. Criteria: Myriad Autosomal Dominant, Autosomal Recessive and X-Linked Classification Criteria (2023). Collection method: clinical testing. Allele origin: unknown.
Comment: This variant is considered likely benign. Homozygosity has been confirmed in one or more individuals. As homozygosity for pathogenic variants in this gene is generally assumed to result in embryonic lethality, this variant is unlikely to be pathogenic.

Ambry Genetics
Classification: Likely benign for Hereditary cancer-predisposing syndrome. Last evaluated: 2025-02-15. Review status: criteria provided, single submitter. Criteria: Ambry Variant Classification Scheme 2023. Collection method: clinical testing. Allele origin: germline.

Labcorp Genetics (formerly Invitae), Labcorp
Classification: Benign for Tuberous sclerosis 2. Last evaluated: 2023-11-17. Review status: criteria provided, single submitter. Criteria: Invitae Variant Classification Sherloc (09022015). Collection method: clinical testing. Allele origin: germline.

Sema4
Classification: Uncertain significance for Hereditary cancer-predisposing syndrome. Last evaluated: 2021-08-14. Review status: criteria provided, single submitter. Criteria: Sema4 Curation Guidelines. Collection method: curation. Allele origin: germline.
Comment: The TSC2 c.3967G>A (p.A1323T) variant has not been reported in the literature to our knowledge. This variant was observed in 1/110838 chromosomes in the Non-Finnish European subpopulation according to the Genome Aggregation Database (PMID: 32461654). This variant has been reported in ClinVar (Variation ID 238044). Functional studies have not been performed, and in silico predictions of the variant's effect on protein function are inconclusive. The overall evidence is insufficient to meet ACMG/AMP criteria for classifying it as benign or pathogenic. In summary, the clinical significance of this variant is currently uncertain.

Genetic Services Laboratory, University of Chicago
Classification: Uncertain significance. Last evaluated: 2022-07-27. Review status: no assertion criteria provided. Collection method: clinical testing. Allele origin: germline. Affected: no. Not counted in ClinVar's aggregate classification.
Comment: DNA sequence analysis of the TSC2 gene demonstrated a sequence change, c.3967G>A, in exon 33 that results in an amino acid change, p.Ala1323Thr. This sequence change does not appear to have been previously described in individuals with TSC2-related disorders. This sequence change has been described in the gnomAD database with a frequency of 0.0004% (dbSNP rs1248093496). The p.Ala1323Thr change affects a poorly conserved amino acid residue located in a domain of the TSC2 protein that is not known to be functional. In-silico pathogenicity prediction tools (SIFT, PolyPhen2, Align GVGD, REVEL) provide contradictory results for the p.Ala1323Thr substitution. Due to insufficient evidences and the lack of functional studies, the clinical significance of the p.Ala1323Thr change remains unknown at this time.

NM_000548.5(TSC2):c.3967G>A (p.Ala1323Thr)

Gene: TSC2 (TSC complex subunit 2; plus strand). Cytogenetic location: 16p13.3.
Variant type: single nucleotide variant.
Coding change: c.3967G>A on transcript NM_000548.5 (MANE Select); coding-DNA position 3967, G replaced by A.
Protein change: p.Ala1323Thr; replaces alanine 1323 with threonine.
Molecular consequence: missense variant.
Genome position (GRCh38, 1-based): chr16:2,083,778, G>A. VCF-style: chr16-2083778-G-A. GRCh37 (hg19) VCF-style: chr16-2133779-G-A.
Other names: c.3967G>A (NM_000548.4); c.3898G>A, p.Ala1300Thr (NM_001114382.3); c.3658G>A, p.Ala1220Thr (NM_001318827.2); c.3622G>A, p.Ala1208Thr (NM_001318829.2); c.3235G>A, p.Ala1079Thr (NM_001318831.2); c.3799G>A, p.Ala1267Thr (NM_001318832.2); c.3769G>A, p.Ala1257Thr (NM_001363528.2); c.3835G>A, p.Ala1279Thr (NM_001370404.1); and 2 more; short protein forms A1208T, A1220T, A1300T, A1323T, A1280T, A1079T, A1267T, A1279T.
Identifiers: ClinVar variation 1388488 (VCV001388488.12), dbSNP rs1248093496, ClinGen allele CA394297507.